The following is an entry in ClinVar:

NM_012330.4(KAT6B):c.5311A>G (p.Met1771Val)

Gene: KAT6B (lysine acetyltransferase 6B; plus strand). Cytogenetic location: 10q22.2.
Variant type: single nucleotide variant.
Coding change: c.5311A>G on transcript NM_012330.4 (MANE Select); coding-DNA position 5311, A replaced by G.
Protein change: p.Met1771Val; replaces methionine 1771 with valine.
Molecular consequence: missense variant.
Genome position (GRCh38, 1-based): chr10:75,030,135, A>G. VCF-style: chr10-75030135-A-G. GRCh37 (hg19) VCF-style: chr10-76789893-A-G.
Other names: c.4762A>G, p.Met1588Val (NM_001256468.2, NM_001370138.1); c.4435A>G, p.Met1479Val (NM_001256469.2, NM_001370139.1, NM_001370140.1 and 2 more transcripts); c.4273A>G, p.Met1425Val (NM_001370132.1); c.3622A>G, p.Met1208Val (NM_001370133.1); c.3226A>G, p.Met1076Val (NM_001370134.1); c.2968A>G, p.Met990Val (NM_001370135.1); c.5311A>G, p.Met1771Val (NM_001370136.1, NM_001370137.1); c.4246A>G, p.Met1416Val (NM_001370143.1, NM_001370144.1); short protein forms M1076V, M1208V, M1416V, M1425V, M1479V, M1588V, M1771V, M990V.
Identifiers: ClinVar variation 2430673 (VCV002430673.3), dbSNP rs1589846029, ClinGen allele CA377300832.

ClinVar aggregate classification (germline): Uncertain significance. Review status: criteria provided, multiple submitters, no conflicts (2 of 4 stars). 2 submissions from 2 submitters: Uncertain significance (2). Last evaluated 2024-05-14.

Conditions:
Genitopatellar syndrome (GTPTS). Also called: Genitopatellar syndrome (GPS); ABSENT PATELLAE, SCROTAL HYPOPLASIA, RENAL ANOMALIES, FACIAL DYSMORPHISM, AND MENTAL RETARDATION. Identifiers: Orphanet 85201, MedGen C1853566, MONDO:0011640, OMIM 606170.

Allele frequency attached by ClinVar (database versions not stated): gnomAD exomes below 0.00001.

Submissions (2):

Labcorp Genetics (formerly Invitae), Labcorp
Classification: Uncertain significance for Genitopatellar syndrome. Last evaluated: 2024-05-14. Review status: criteria provided, single submitter. Criteria: Invitae Variant Classification Sherloc (09022015). Collection method: clinical testing. Allele origin: germline.
Comment: This sequence change replaces methionine, which is neutral and non-polar, with valine, which is neutral and non-polar, at codon 1771 of the KAT6B protein (p.Met1771Val). This variant is not present in population databases (gnomAD no frequency). This variant has not been reported in the literature in individuals affected with KAT6B-related conditions. ClinVar contains an entry for this variant (Variation ID: 2430673). An algorithm developed to predict the effect of missense changes on protein structure and function (PolyPhen-2) suggests that this variant is likely to be tolerated. In summary, the available evidence is currently insufficient to determine the role of this variant in disease. Therefore, it has been classified as a Variant of Uncertain Significance.

GeneDx
Classification: Uncertain significance. Last evaluated: 2022-08-22. Review status: criteria provided, single submitter. Criteria: GeneDx Variant Classification Process June 2021. Collection method: clinical testing. Allele origin: germline. Affected: yes.
Comment: Not observed at significant frequency in large population cohorts (gnomAD); In silico analysis supports that this missense variant does not alter protein structure/function; Has not been previously published as pathogenic or benign to our knowledge